The following is an entry in ClinVar:

ClinVar aggregate classification (germline): Benign/Likely benign. Review status: criteria provided, multiple submitters, no conflicts (2 of 4 stars). 4 submissions from 4 submitters: Benign (1); Likely benign (3). Last evaluated 2026-06-25.

Conditions:
Hereditary cancer-predisposing syndrome. Also called: Hereditary neoplastic syndrome; Neoplastic Syndromes, Hereditary; Hereditary Cancer Syndrome; Tumor predisposition. Identifiers: Orphanet 140162, MedGen C0027672, MeSH D009386, MONDO:0015356.
Fanconi anemia complementation group J. Also called: BRIP1-Related Fanconi Anemia. Identifiers: Orphanet 84, MedGen C1836860, MONDO:0012187, OMIM 609054.
Familial cancer of breast. Also called: hereditary breast carcinoma; BREAST CANCER, FAMILIAL; Hereditary breast cancer. Identifiers: Orphanet 227535, MedGen C0346153, MONDO:0016419, OMIM 114480. Disease mechanism: loss of function.
BRIP1-related disorder. Also called: BRIP1-related condition; BRIP1-related disorders. Identifiers: MedGen CN239206.

Submissions (4):

PreventionGenetics, part of Exact Sciences
Classification: Likely benign for BRIP1-related condition. Last evaluated: 2026-06-25. Review status: criteria provided, single submitter. Criteria: ACMG Guidelines, 2015. Collection method: clinical testing. Allele origin: germline.
Comment: This variant is classified as likely benign based on ACMG/AMP sequence variant interpretation guidelines (Richards et al. 2015 PMID: 25741868, with internal and published modifications).

Labcorp Genetics (formerly Invitae), Labcorp
Classification: Likely benign for Familial cancer of breast; Fanconi anemia complementation group J. Last evaluated: 2024-09-27. Review status: criteria provided, single submitter. Criteria: Invitae Variant Classification Sherloc (09022015). Collection method: clinical testing. Allele origin: germline.

Myriad Genetics, Inc.
Classification: Benign for Familial cancer of breast. Last evaluated: 2024-08-22. Review status: criteria provided, single submitter. Criteria: Myriad Autosomal Dominant, Autosomal Recessive and X-Linked Classification Criteria (2023). Collection method: clinical testing. Allele origin: unknown.
Comment: This variant is considered benign. This variant is a silent/synonymous amino acid change and it is not expected to impact splicing.

Ambry Genetics
Classification: Likely benign for Hereditary cancer-predisposing syndrome. Last evaluated: 2020-11-18. Review status: criteria provided, single submitter. Criteria: Ambry Variant Classification Scheme 2023. Collection method: clinical testing. Allele origin: germline.

NM_032043.3(BRIP1):c.867C>G (p.Val289=)

Gene: BRIP1 (BRCA1 interacting DNA helicase 1; minus strand). Cytogenetic location: 17q23.2.
Variant type: single nucleotide variant.
Coding change: c.867C>G on transcript NM_032043.3 (MANE Select); coding-DNA position 867, C replaced by G.
Protein change: p.Val289=; no amino-acid change (valine 289 retained).
Molecular consequence: synonymous variant.
Genome position (GRCh38, 1-based): chr17:61,808,518, G>C on the plus strand (C>G on the coding strand, the complement: BRIP1 is on the minus strand). VCF-style: chr17-61808518-G-C. GRCh37 (hg19) VCF-style: chr17-59885879-G-C.
Identifiers: ClinVar variation 743803 (VCV000743803.16), dbSNP rs147739458, ClinGen allele CA501335391.